The following is an entry in ClinVar:

NM_001378120.1(MBD5):c.114-16dup

Gene: MBD5 (methyl-CpG binding domain protein 5; plus strand). Cytogenetic location: 2q23.1.
Variant type: Duplication.
Coding change: c.114-16dup on transcript NM_001378120.1 (MANE Select); 16 bases into the intron before coding-DNA position 114, one base duplicated (T; older notation c.114-16dupT).
Molecular consequence: intron variant.
Genome position (GRCh38, 1-based): chr2:148,462,566, T duplicated; the last of 7 consecutive T bases (chr2:148,462,560-148,462,566); duplicating any one gives the same sequence. VCF-style (leftmost placement, unchanged base first): chr2-148462559-G-GT. GRCh37 (hg19) VCF-style: chr2-149220128-G-GT.
Other names: c.114-16dup (NM_018328.5); c.114-16dupT (NM_018328.4).
Identifiers: ClinVar variation 422845 (VCV000422845.1), dbSNP rs758376752, ClinGen allele CA16617234.

ClinVar aggregate classification (germline): Likely benign (1 of 4 stars; one submission).

Submission:

GeneDx
Classification: Likely benign. Last evaluated: 2016-12-12. Review status: criteria provided, single submitter. Criteria: GeneDx Variant Classification (06012015). Collection method: clinical testing. Allele origin: germline. Affected: yes.
Comment: This variant is considered likely benign or benign based on one or more of the following criteria: it is a conservative change, it occurs at a poorly conserved position in the protein, it is predicted to be benign by multiple in silico algorithms, and/or has population frequency not consistent with disease.